The following is an entry in ClinVar:

NM_004281.4(BAG3):c.74G>T (p.Gly25Val)

Gene: BAG3 (BAG cochaperone 3; plus strand). Cytogenetic location: 10q26.11.
Variant type: single nucleotide variant.
Coding change: c.74G>T on transcript NM_004281.4 (MANE Select); coding-DNA position 74, G replaced by T.
Protein change: p.Gly25Val; replaces glycine 25 with valine.
Molecular consequence: missense variant.
Genome position (GRCh38, 1-based): chr10:119,651,749, G>T. VCF-style: chr10-119651749-G-T. GRCh37 (hg19) VCF-style: chr10-121411261-G-T.
Other names: short protein forms G25V.
Identifiers: ClinVar variation 4083031 (VCV004083031.2).
Genomic context (GRCh38, chr10:119,651,749, plus strand): 5'-CCCACTCGCCCATGATGCAGGTGGCGTCCGGCAACGGTGACCGCGACCCTTTGCCCCCCG[G>T]ATGGGAGATCAAGATCGACCCGCAGACCGGCTGGCCCTTCTTCGTGGACCACAACAGCCG-3'
Protein context (NP_004272.2, residues 15-35): GNGDRDPLPP[Gly25Val]WEIKIDPQTG

ClinVar aggregate classification (germline): Conflicting classifications of pathogenicity. Review status: criteria provided, conflicting classifications (1 of 4 stars). 2 submissions from 2 submitters: Uncertain significance (1); Likely benign (1). Last evaluated 2025-03-08.

Conditions:
Myofibrillar myopathy 6. Identifiers: Orphanet 199340, MedGen C2751831, MONDO:0013061, OMIM 612954.
Dilated cardiomyopathy 1HH (CMD1HH). Identifiers: Orphanet 154, MedGen C3151293, MONDO:0013479, OMIM 613881.

Submissions (2):

GeneDx
Classification: Uncertain significance. Last evaluated: 2025-03-08. Review status: criteria provided, single submitter. Criteria: GeneDx Variant Classification Process June 2021. Collection method: clinical testing. Allele origin: germline. Affected: yes.
Comment: Not observed at significant frequency in large population cohorts (gnomAD); In silico analysis supports that this missense variant has a deleterious effect on protein structure/function; Has not been previously published as pathogenic or benign to our knowledge; This variant is associated with the following publications: (PMID: 20001957)

Labcorp Genetics (formerly Invitae), Labcorp
Classification: Likely benign for Dilated cardiomyopathy 1HH; Myofibrillar myopathy 6. Last evaluated: 2025-02-26. Review status: criteria provided, single submitter. Criteria: Invitae Variant Classification Sherloc (09022015). Collection method: clinical testing. Allele origin: germline.